The following is an entry in ClinVar:

ClinVar aggregate classification (germline): Pathogenic. Review status: criteria provided, multiple submitters, no conflicts (2 of 4 stars). 2 submissions from 2 submitters: Pathogenic (2). Last evaluated 2020-08-26.

Conditions:
Polycystic kidney disease, adult type (PKD1). Also called: POLYCYSTIC KIDNEY DISEASE, ADULT, TYPE I; Polycystic Kidney Disease 1, Autosomal Dominant; Polycystic kidney disease 1; Polycystic kidney disease 1, severe; Polycystic Kidney, Autosomal Dominant; POLYCYSTIC KIDNEY DISEASE 1 WITH OR WITHOUT POLYCYSTIC LIVER DISEASE. Identifiers: MedGen C3149841, MONDO:0008263, OMIM 173900.

Submissions (2):

Department of Pathology and Laboratory Medicine, Sinai Health System
Classification: Pathogenic for Polycystic kidney disease, adult type. Last evaluated: 2020-08-26. Review status: criteria provided, single submitter. Criteria: ACMG Guidelines, 2015. Collection method: clinical testing. Allele origin: germline. Affected: yes.

Juno Genomics, Hangzhou Juno Genomics, Inc
Classification: Pathogenic for Polycystic kidney disease, adult type. Review status: criteria provided, single submitter. Criteria: ACMG Guidelines, 2015. Collection method: clinical testing. Allele origin: germline. Affected: yes.
Comment: Null variant in a gene where loss of function (LOF) is a known mechanism of disease.;Absent from controls (or at extremely low frequency if recessive) in Genome Aggregation Database, Exome Sequencing Project, 1000 Genomes Project, or Exome Aggregation Consortium.;Patient's phenotype or family history is highly specific for a disease with a single genetic etiology.

NM_001009944.3(PKD1):c.3972C>A (p.Tyr1324Ter)

Gene: PKD1 (polycystin 1, transient receptor potential channel interacting; minus strand). Cytogenetic location: 16p13.3.
Variant type: single nucleotide variant.
Coding change: c.3972C>A on transcript NM_001009944.3 (MANE Select); coding-DNA position 3972, C replaced by A.
Protein change: p.Tyr1324Ter; replaces tyrosine 1324 with a stop codon.
Molecular consequence: nonsense.
Genome position (GRCh38, 1-based): chr16:2,111,195, G>T on the plus strand (C>A on the coding strand, the complement: PKD1 is on the minus strand). VCF-style: chr16-2111195-G-T. GRCh37 (hg19) VCF-style: chr16-2161196-G-T.
Other names: c.3972C>A, p.Tyr1324Ter (NM_000296.4); short protein forms Y1324*.
Identifiers: ClinVar variation 3382158 (VCV003382158.3).